The following is an entry in ClinVar:

NM_001206927.2(DNAH8):c.8125del (p.Pro2708_Met2709insTer)

Gene: DNAH8 (dynein axonemal heavy chain 8; plus strand). Cytogenetic location: 6p21.2.
Variant type: Deletion.
Coding change: c.8125del on transcript NM_001206927.2 (MANE Select); coding-DNA position 8125, one base deleted (A; older notation c.8125delA).
Protein change: p.Pro2708_Met2709insTer.
Molecular consequence: nonsense.
Genome position (GRCh38, 1-based): chr6:38,883,445, A deleted; the last of 2 consecutive A bases (chr6:38,883,444-38,883,445); deleting either gives the same sequence. VCF-style (leftmost placement, unchanged base first): chr6-38883443-CA-C. GRCh37 (hg19) VCF-style: chr6-38851219-CA-C.
Other names: c.7474del, p.Pro2491_Met2492insTer (NM_001371.4).
Identifiers: ClinVar variation 4748291 (VCV004748291.1).

ClinVar aggregate classification (germline): Pathogenic (1 of 4 stars; one submission).

Conditions:
Primary ciliary dyskinesia. Also called: Ciliary dyskinesia. Identifiers: Orphanet 244, MedGen C0008780, MONDO:0016575, HP:0012265.

Submission:

Labcorp Genetics (formerly Invitae), Labcorp
Classification: Pathogenic for Primary ciliary dyskinesia. Last evaluated: 2025-08-12. Review status: criteria provided, single submitter. Criteria: Invitae Variant Classification Sherloc (09022015). Collection method: clinical testing. Allele origin: germline.
Comment: This sequence change creates a premature translational stop signal (p.Met2709*) in the DNAH8 gene. It is expected to result in an absent or disrupted protein product. Loss-of-function variants in DNAH8 are known to be pathogenic (PMID: 24307375, 32619401, 32681648). This variant is not present in population databases (gnomAD no frequency). This variant has not been reported in the literature in individuals affected with DNAH8-related conditions. Algorithms developed to predict the effect of sequence changes on RNA splicing suggest that this variant may disrupt the consensus splice site. For these reasons, this variant has been classified as Pathogenic.

Literature cited by the submitters: PubMed 24307375; PubMed 32619401; PubMed 32681648.